The following is an entry in ClinVar:

NM_025132.4(WDR19):c.2413G>A (p.Asp805Asn)

Gene: WDR19 (WD repeat domain 19; plus strand). Cytogenetic location: 4p14.
Variant type: single nucleotide variant.
Coding change: c.2413G>A on transcript NM_025132.4 (MANE Select); coding-DNA position 2413, G replaced by A.
Protein change: p.Asp805Asn; replaces aspartic acid 805 with asparagine.
Molecular consequence: missense variant.
Genome position (GRCh38, 1-based): chr4:39,240,326, G>A. VCF-style: chr4-39240326-G-A. GRCh37 (hg19) VCF-style: chr4-39241946-G-A.
Other names: c.1933G>A, p.Asp645Asn (NM_001317924.2); short protein forms D805N, D645N.
Identifiers: ClinVar variation 2074383 (VCV002074383.3), dbSNP rs773485387, ClinGen allele CA2892073.
Genomic context (GRCh38, chr4:39,240,326, plus strand): 5'-TTTTTTTTCAGGGGTGATTATGTAAATGCTTTGGCTCATTATGAGAAAGGAATAACAGGT[G>A]ATAATAAGGTAACCTTGGATAAAGATAAGATATGCCTAATTATGTCTGGGTTTGTTTTCA-3'
Protein context (NP_079408.3, residues 795-815): LAHYEKGITG[Asp805Asn]NKEHDEACLA

ClinVar aggregate classification (germline): Uncertain significance (1 of 4 stars; one submission).

Conditions:
Asphyxiating thoracic dystrophy 5 (SRTD5). Also called: SHORT-RIB THORACIC DYSPLASIA 5 WITH OR WITHOUT POLYDACTYLY; SHORT-RIB THORACIC DYSPLASIA 5 WITHOUT POLYDACTYLY. Identifiers: Orphanet 474, MedGen C3280598, MONDO:0013717, OMIM 614376.
Senior-Loken syndrome 8 (SLSN8). Identifiers: Orphanet 3156, MedGen C4225376, MONDO:0014579, OMIM 616307.

Allele frequency attached by ClinVar (database versions not stated): gnomAD 0.00001; TOPMed 0.00001.

Submission:

Labcorp Genetics (formerly Invitae), Labcorp
Classification: Uncertain significance for Senior-Loken syndrome 8; Asphyxiating thoracic dystrophy 5. Last evaluated: 2024-11-18. Review status: criteria provided, single submitter. Criteria: Invitae Variant Classification Sherloc (09022015). Collection method: clinical testing. Allele origin: germline.
Comment: This sequence change replaces aspartic acid, which is acidic and polar, with asparagine, which is neutral and polar, at codon 805 of the WDR19 protein (p.Asp805Asn). The frequency data for this variant in the population databases is considered unreliable, as metrics indicate poor data quality at this position in the gnomAD database. This missense change has been observed in individual(s) with clinical features of WDR19-related conditions (internal data). ClinVar contains an entry for this variant (Variation ID: 2074383). Invitae Evidence Modeling of protein sequence and biophysical properties (such as structural, functional, and spatial information, amino acid conservation, physicochemical variation, residue mobility, and thermodynamic stability) indicates that this missense variant is not expected to disrupt WDR19 protein function with a negative predictive value of 80%. Algorithms developed to predict the effect of sequence changes on RNA splicing suggest that this variant may disrupt the consensus splice site. In summary, the available evidence is currently insufficient to determine the role of this variant in disease. Therefore, it has been classified as a Variant of Uncertain Significance.